The following is an entry in ClinVar:

ClinVar aggregate classification (germline): Likely benign (1 of 4 stars; one submission).

Allele frequency attached by ClinVar (database versions not stated): ExAC 0.00003; TOPMed 0.00003; gnomAD 0.00005; gnomAD exomes 0.00008.
gnomAD v4.1: 123 of 1,613,670 alleles (0.0076%); highest among the groups gnomAD compares: Non-Finnish European, 0.0099%; no homozygotes.

Submission:

CeGaT Center for Human Genetics Tuebingen
Classification: Likely benign. Last evaluated: 2023-12-01. Review status: criteria provided, single submitter. Criteria: CeGaT Center For Human Genetics Tuebingen Variant Classification Criteria Version 2. Collection method: clinical testing. Allele origin: germline. Affected: yes. Observed: 1 variant allele.
Comment: SPTBN1: BP4, BP7

NM_003128.3(SPTBN1):c.1953A>G (p.Glu651=)

Gene: SPTBN1 (spectrin beta, non-erythrocytic 1; plus strand). Cytogenetic location: 2p16.2.
Variant type: single nucleotide variant.
Coding change: c.1953A>G on transcript NM_003128.3 (MANE Select); coding-DNA position 1953, A replaced by G.
Protein change: p.Glu651=; no amino-acid change (glutamic acid 651 retained).
Molecular consequence: synonymous variant.
Genome position (GRCh38, 1-based): chr2:54,629,087, A>G. VCF-style: chr2-54629087-A-G. GRCh37 (hg19) VCF-style: chr2-54856224-A-G.
Other names: c.1914A>G, p.Glu638= (NM_178313.3).
Identifiers: ClinVar variation 3025212 (VCV003025212.22), dbSNP rs775458851, ClinGen allele CA1660528.